The following is an entry in ClinVar:

NM_024301.5(FKRP):c.1270A>C (p.Asn424His)

Gene: FKRP (fukutin related protein; plus strand). Cytogenetic location: 19q13.32.
Variant type: single nucleotide variant.
Coding change: c.1270A>C on transcript NM_024301.5 (MANE Select); coding-DNA position 1270, A replaced by C.
Protein change: p.Asn424His; replaces asparagine 424 with histidine.
Molecular consequence: missense variant.
Genome position (GRCh38, 1-based): chr19:46,756,720, A>C. VCF-style: chr19-46756720-A-C. GRCh37 (hg19) VCF-style: chr19-47259977-A-C.
Other names: c.1270A>C, p.Asn424His (NM_001039885.3); short protein forms N424H.
Identifiers: ClinVar variation 449685 (VCV000449685.45), dbSNP rs769568971, ClinGen allele CA9532287.
Genomic context (GRCh38, chr19:46,756,720, plus strand): 5'-CGCGTGCAGTACAGCGAAAGCAACCACTTGCACGTGGACCTGTGGCCCTTCTACCCCCGC[A>C]ATGGCGTCATGACCAAGGACACGTGGCTGGACCACCGGCAGGATGTGGAGTTTCCCGAGC-3'
Protein context (NP_077277.1, residues 414-434): HVDLWPFYPR[Asn424His]GVMTKDTWLD

ClinVar aggregate classification (germline): Uncertain significance. Review status: criteria provided, multiple submitters, no conflicts (2 of 4 stars). 10 submissions from 10 submitters: Uncertain significance (9). 1 of the submissions does not count toward it. Last evaluated 2024-01-29.

Conditions:
Walker-Warburg congenital muscular dystrophy. Also called: Muscular dystrophy-dystroglycanopathy, type A; Walker-Warburg syndrome. Identifiers: Orphanet 899, MedGen C0265221, MONDO:0000171.
Muscular dystrophy-dystroglycanopathy type B5 (MDDGB5). Also called: MUSCULAR DYSTROPHY, CONGENITAL, FKRP-RELATED; MUSCULAR DYSTROPHY, CONGENITAL, 1C; MUSCULAR DYSTROPHY-DYSTROGLYCANOPATHY (CONGENITAL WITH OR WITHOUT IMPAIRED INTELLECTUAL DEVELOPMENT), TYPE B, 5. Identifiers: MedGen C1847759, MONDO:0011688, OMIM 606612.
Autosomal recessive limb-girdle muscular dystrophy type 2I. Also called: MUSCULAR DYSTROPHY, LIMB-GIRDLE, TYPE 2I; MUSCULAR DYSTROPHY-DYSTROGLYCANOPATHY, LIMB-GIRDLE, FRKP-RELATED; MUSCULAR DYSTROPHY-DYSTROGLYCANOPATHY (LIMB-GIRDLE), TYPE C, 5. Identifiers: Orphanet 34515, MedGen C1846672, MONDO:0011787, OMIM 607155.
Muscular dystrophy-dystroglycanopathy (congenital with brain and eye anomalies), type A5. Also called: MUSCULAR DYSTROPHY-DYSTROGLYCANOPATHY (CONGENITAL WITH BRAIN AND EYE ANOMALIES), TYPE A, 5; WALKER-WARBURG SYNDROME OR MUSCLE-EYE-BRAIN DISEASE, FKRP-RELATED. Identifiers: Orphanet 588, Orphanet 899, MedGen C3150413, MONDO:0013157, OMIM 613153.
Muscular dystrophy-dystroglycanopathy (congenital with brain and eye anomalies), type A1 (MDDGA1). Also called: Muscular dystrophy-dystroglycanopathy (congenital with brain and eye anomalies), type A, 1; WALKER-WARBURG SYNDROME OR MUSCLE-EYE-BRAIN DISEASE, POMT1-RELATED; Hydrocephalus, agyria and retinal dysplasia; Hard +/- E syndrome; Warburg syndrome; Chemke syndrome. Identifiers: Orphanet 588, Orphanet 899, MedGen C4284790, MONDO:0009364, OMIM 236670.
Cardiovascular phenotype. Identifiers: MedGen CN230736.

Allele frequency attached by ClinVar (database versions not stated): gnomAD exomes 0.00003 and 0.00004; ExAC 0.00004; gnomAD 0.00005 and 0.00006; TOPMed 0.00007.
gnomAD v4.1: 70 of 1,611,674 alleles (0.0043%); highest among the groups gnomAD compares: Non-Finnish European, 0.0054%; no homozygotes.

Submissions (10):

Ambry Genetics
Classification: Uncertain significance for Cardiovascular phenotype. Last evaluated: 2024-01-29. Review status: criteria provided, single submitter. Criteria: Ambry Variant Classification Scheme 2023. Collection method: clinical testing. Allele origin: germline.
Comment: The p.N424H variant (also known as c.1270A>C), located in coding exon 1 of the FKRP gene, results from an A to C substitution at nucleotide position 1270. The asparagine at codon 424 is replaced by histidine, an amino acid with similar properties. This amino acid position is well conserved in available vertebrate species. In addition, the in silico prediction for this alteration is inconclusive. Since supporting evidence is limited at this time, the clinical significance of this alteration remains unclear.

CeGaT Center for Human Genetics Tuebingen
Classification: Uncertain significance. Last evaluated: 2023-02-01. Review status: criteria provided, single submitter. Criteria: CeGaT Center For Human Genetics Tuebingen Variant Classification Criteria Version 2. Collection method: clinical testing. Allele origin: germline. Affected: yes. Observed: 1 variant allele.
Comment: FKRP: PM2

Labcorp Genetics (formerly Invitae), Labcorp
Classification: Uncertain significance for Walker-Warburg congenital muscular dystrophy. Last evaluated: 2022-10-17. Review status: criteria provided, single submitter. Criteria: Invitae Variant Classification Sherloc (09022015). Collection method: clinical testing. Allele origin: germline.
Comment: This sequence change replaces asparagine, which is neutral and polar, with histidine, which is basic and polar, at codon 424 of the FKRP protein (p.Asn424His). This variant is present in population databases (rs769568971, gnomAD 0.007%). This variant has not been reported in the literature in individuals affected with FKRP-related conditions. ClinVar contains an entry for this variant (Variation ID: 449685). Advanced modeling of protein sequence and biophysical properties (such as structural, functional, and spatial information, amino acid conservation, physicochemical variation, residue mobility, and thermodynamic stability) has been performed at Invitae for this missense variant, however the output from this modeling did not meet the statistical confidence thresholds required to predict the impact of this variant on FKRP protein function. In summary, the available evidence is currently insufficient to determine the role of this variant in disease. Therefore, it has been classified as a Variant of Uncertain Significance.

Revvity Omics, Revvity
Classification: Uncertain significance. Last evaluated: 2022-07-27. Review status: criteria provided, single submitter. Criteria: ACMG Guidelines, 2015. Collection method: clinical testing. Allele origin: germline.

Fulgent Genetics
Classification: Uncertain significance for Muscular dystrophy-dystroglycanopathy (congenital with brain and eye anomalies), type A1; Muscular dystrophy-dystroglycanopathy type B5; Autosomal recessive limb-girdle muscular dystrophy type 2I; Muscular dystrophy-dystroglycanopathy (congenital with brain and eye anomalies), type A5. Last evaluated: 2021-07-01. Review status: criteria provided, single submitter. Criteria: ACMG Guidelines, 2015. Collection method: clinical testing. Allele origin: unknown.

Victorian Clinical Genetics Services, Murdoch Childrens Research Institute
Classification: Uncertain significance for Muscular dystrophy-dystroglycanopathy (congenital with brain and eye anomalies), type A5. Last evaluated: 2020-07-02. Review status: criteria provided, single submitter. Criteria: ACMG Guidelines, 2015. Collection method: clinical testing. Allele origin: germline. Inheritance: Autosomal recessive inheritance. Affected: yes.
Comment: Based on the classification scheme VCGS_Germline_v1.3.3, this variant is classified as 3B-VUS. Following criteria are met: 0102 - Loss of function is a known mechanism of disease in this gene and is associated with muscular dystrophy-dystroglycanopathy (OMIM). 0106 - This gene is associated with autosomal recessive disease. (I) 0200 - Variant is predicted to result in a missense amino acid change from asparagine to histidine (exon 4). (I) 0251 - This variant is heterozygous. (I) 0304 - Variant is present in gnomAD v3 <0.01 for a recessive condition (7 heterozygotes, 0 homozygotes). (SP) 0309 - An alternative amino acid change at the same position has been observed in gnomAD (v3) (2 heterozygotes, 0 homozygotes). (I) 0502 - Missense variant with conflicting in silico predictions and uninformative conservation. (I) 0604 - Variant is not located in an established domain, motif, hotspot or informative constraint region. (I) 0705 - No comparable missense variants have previous evidence for pathogenicity. (I) 0809 - Previous evidence of pathogenicity for this variant is inconclusive. The variant has been classified as a Variant of Uncertain Significance (ClinVar). (I) 0905 - No published segregation evidence has been identified for this variant. (I) 1007 - No published functional evidence has been identified for this variant. (I) Legend: (SP) - Supporting pathogenic, (I) - Information, (SB) - Supporting benign

Centre for Mendelian Genomics, University Medical Centre Ljubljana
Classification: Uncertain significance for Muscular dystrophy-dystroglycanopathy type B5. Last evaluated: 2018-10-24. Review status: criteria provided, single submitter. Criteria: ACMG Guidelines, 2015. Collection method: clinical testing. Allele origin: unknown. Affected: yes.
Comment: This variant was classified as: Uncertain significance. The available evidence favors the pathogenic nature of this variant, however the currently available data is insufficient to conclusively support its pathogenic nature. Thus this variant is classified as Uncertain significance - favor pathogenic. The following ACMG criteria were applied in classifying this variant: PM2,PP3.

GeneDx
Classification: Uncertain significance. Last evaluated: 2017-08-23. Review status: criteria provided, single submitter. Criteria: GeneDx Variant Classification (06012015). Collection method: clinical testing. Allele origin: germline. Affected: yes.
Comment: A variant of uncertain significance has been identified in the FKRP gene. The N424H variant has not been published as a pathogenic variant, nor has it been reported as a benign variant to our knowledge. The N424H variant is not observed at a significant frequency in large population cohorts (Lek et al., 2016). The N424H variant is a semi-conservative amino acid substitution, which may impact secondary protein structure as these residues differ in some properties. In silico analysis predicts this variant is probably damaging to the protein structure/function. However, this substitution occurs at a position that is not conserved. Therefore, based on the currently available information, it is unclear whether this variant is a pathogenic variant or a rare benign variant.

Eurofins Ntd Llc (ga)
Classification: Uncertain significance. Last evaluated: 2016-12-14. Review status: criteria provided, single submitter. Criteria: EGL Classification Definitions 2015. Collection method: clinical testing. Allele origin: germline. Observed: 1 variant allele, 1 heterozygote.

Natera, Inc.
Classification: Uncertain significance for Limb-girdle muscular dystrophy type 2I. Last evaluated: 2020-01-17. Review status: no assertion criteria provided. Collection method: clinical testing. Allele origin: germline. Not counted in ClinVar's aggregate classification.